The following is an entry in ClinVar:

NM_003954.5(MAP3K14):c.2298G>A (p.Pro766=)

Genes: MAP3K14 (mitogen-activated protein kinase kinase kinase 14; minus strand), MAP3K14-AS1 (MAP3K14 antisense RNA 1; plus strand), LOC126862575 (CDK7 strongly-dependent group 2 enhancer GRCh37_chr17:43344006-43345205; plus strand). Cytogenetic location: 17q21.31.
Variant type: single nucleotide variant.
Coding change: c.2298G>A on transcript NM_003954.5 (MANE Select); coding-DNA position 2298, G replaced by A.
Protein change: p.Pro766=; no amino-acid change (proline 766 retained).
Molecular consequence: synonymous variant.
Genome position (GRCh38, 1-based): chr17:45,267,434, C>T on the plus strand (G>A on the coding strand, the complement: MAP3K14 is on the minus strand). VCF-style: chr17-45267434-C-T. GRCh37 (hg19) VCF-style: chr17-43344801-C-T.
Identifiers: ClinVar variation 1147535 (VCV001147535.34), dbSNP rs17846846, ClinGen allele CA8613914.

ClinVar aggregate classification (germline): Likely benign. Review status: criteria provided, multiple submitters, no conflicts (2 of 4 stars). 3 submissions from 3 submitters: Likely benign (3). Last evaluated 2025-11-20.

Conditions:
NIK deficiency. Also called: Primary immunodeficiency with multifaceted aberrant lymphoid immunity. Identifiers: Orphanet 447731, MedGen C5680065, MONDO:0018642.

Allele frequency attached by ClinVar (database versions not stated): TOPMed 0.00003; 1000 Genomes Project 0.00040; gnomAD 0.00004 and 0.00009; 1000 Genomes Project 30x 0.00031.
gnomAD v4.1: 197 of 1,603,562 alleles (0.012%); highest among the groups gnomAD compares: East Asian, 0.28%; no homozygotes.

Submissions (3):

Labcorp Genetics (formerly Invitae), Labcorp
Classification: Likely benign for NIK deficiency. Last evaluated: 2025-11-20. Review status: criteria provided, single submitter. Criteria: Invitae Variant Classification Sherloc (09022015). Collection method: clinical testing. Allele origin: germline.

CeGaT Center for Human Genetics Tuebingen
Classification: Likely benign. Last evaluated: 2022-12-01. Review status: criteria provided, single submitter. Criteria: CeGaT Center For Human Genetics Tuebingen Variant Classification Criteria Version 2. Collection method: clinical testing. Allele origin: germline. Affected: yes. Observed: 1 variant allele.
Comment: MAP3K14: BP4, BP7

Blueprint Genetics
Classification: Likely benign. Last evaluated: 2022-08-10. Review status: criteria provided, single submitter. Criteria: ACMG Guidelines, 2015. Collection method: clinical testing. Allele origin: germline.